The following is an entry in ClinVar:

NM_001277285.4(IGSF9B):c.3232C>A (p.Arg1078=)

Gene: IGSF9B (immunoglobulin superfamily member 9B; minus strand). Cytogenetic location: 11q25.
Variant type: single nucleotide variant.
Coding change: c.3232C>A on transcript NM_001277285.4 (MANE Select); coding-DNA position 3232, C replaced by A.
Protein change: p.Arg1078=; no amino-acid change (arginine 1078 retained).
Molecular consequence: synonymous variant.
Genome position (GRCh38, 1-based): chr11:133,920,493, G>T on the plus strand (C>A on the coding strand, the complement: IGSF9B is on the minus strand). VCF-style: chr11-133920493-G-T. GRCh37 (hg19) VCF-style: chr11-133790388-G-T.
Identifiers: ClinVar variation 2642550 (VCV002642550.24), dbSNP rs187022741, ClinGen allele CA6368797.

ClinVar aggregate classification (germline): Likely benign (1 of 4 stars; one submission).

Allele frequency attached by ClinVar (database versions not stated): ESP Exome Variant Server 0.00025; 1000 Genomes Project 30x 0.00031; ExAC 0.00072.
gnomAD v4.1: 885 of 1,582,696 alleles (0.056%); highest among the groups gnomAD compares: Non-Finnish European, 0.068%; 4 homozygotes.

Submission:

CeGaT Center for Human Genetics Tuebingen
Classification: Likely benign. Last evaluated: 2023-03-01. Review status: criteria provided, single submitter. Criteria: CeGaT Center For Human Genetics Tuebingen Variant Classification Criteria Version 2. Collection method: clinical testing. Allele origin: germline. Affected: yes. Observed: 1 variant allele.
Comment: IGSF9B: BP4, BP7